The following is an entry in ClinVar:

NM_181458.4(PAX3):c.927G>C (p.Glu309Asp)

Gene: PAX3 (paired box 3; minus strand). Cytogenetic location: 2q36.1.
Variant type: single nucleotide variant.
Coding change: c.927G>C on transcript NM_181458.4 (MANE Select); coding-DNA position 927, G replaced by C.
Protein change: p.Glu309Asp; replaces glutamic acid 309 with aspartic acid.
Molecular consequence: missense variant.
Genome position (GRCh38, 1-based): chr2:222,221,253, C>G on the plus strand (G>C on the coding strand, the complement: PAX3 is on the minus strand). VCF-style: chr2-222221253-C-G. GRCh37 (hg19) VCF-style: chr2-223085972-C-G.
Other names: c.924G>C, p.Glu308Asp (NM_001127366.3); c.927G>C, p.Glu309Asp (NM_181457.4, NM_181459.4, NM_181460.4 and 1 more transcripts); short protein forms E308D, E309D.
Identifiers: ClinVar variation 4527973 (VCV004527973.2).

ClinVar aggregate classification (germline): Uncertain significance. Review status: criteria provided, multiple submitters, no conflicts (2 of 4 stars). 2 submissions from 2 submitters: Uncertain significance (2). Last evaluated 2026-05-19.

Conditions:
Inborn genetic diseases. Identifiers: MedGen C0950123, MeSH D030342.

gnomAD v4.1: 7 of 1,613,890 alleles (0.00043%); highest among the groups gnomAD compares: Non-Finnish European, 0.00059%; no homozygotes.

Submissions (2):

Ambry Genetics
Classification: Uncertain significance for Inborn genetic diseases. Last evaluated: 2026-05-19. Review status: criteria provided, single submitter. Criteria: Ambry Variant Classification Scheme 2023. Collection method: clinical testing. Allele origin: germline.

GeneDx
Classification: Uncertain significance. Last evaluated: 2025-05-06. Review status: criteria provided, single submitter. Criteria: GeneDx Variant Classification Process June 2021. Collection method: clinical testing. Allele origin: germline. Affected: yes.
Comment: Not observed at significant frequency in large population cohorts (gnomAD); In silico analysis suggests that this missense variant does not alter protein structure/function; Has not been previously published as pathogenic or benign to our knowledge